The following is an entry in ClinVar:

NM_002047.4(GARS1):c.835A>G (p.Asn279Asp)

Gene: GARS1 (glycyl-tRNA synthetase 1; plus strand). Cytogenetic location: 7p14.3.
Variant type: single nucleotide variant.
Coding change: c.835A>G on transcript NM_002047.4 (MANE Select); coding-DNA position 835, A replaced by G.
Protein change: p.Asn279Asp; replaces asparagine 279 with aspartic acid.
Molecular consequence: missense variant.
Genome position (GRCh38, 1-based): chr7:30,609,684, A>G. VCF-style: chr7-30609684-A-G. GRCh37 (hg19) VCF-style: chr7-30649300-A-G.
Other names: c.673A>G, p.Asn225Asp (NM_001316772.1); short protein forms N279D, N225D.
Identifiers: ClinVar variation 2859352 (VCV002859352.3), dbSNP rs2534302850, ClinGen allele CA367124543.

ClinVar aggregate classification (germline): Uncertain significance (1 of 4 stars; one submission).

Conditions:
Charcot-Marie-Tooth disease type 2. Also called: Charcot-Marie-Tooth type 2. Identifiers: Orphanet 64746, MedGen C0270914, MONDO:0018993.

Submission:

Labcorp Genetics (formerly Invitae), Labcorp
Classification: Uncertain significance for Charcot-Marie-Tooth disease type 2. Last evaluated: 2023-04-26. Review status: criteria provided, single submitter. Criteria: Invitae Variant Classification Sherloc (09022015). Collection method: clinical testing. Allele origin: germline.
Comment: This sequence change replaces asparagine, which is neutral and polar, with aspartic acid, which is acidic and polar, at codon 279 of the GARS protein (p.Asn279Asp). In summary, the available evidence is currently insufficient to determine the role of this variant in disease. Therefore, it has been classified as a Variant of Uncertain Significance. Advanced modeling of protein sequence and biophysical properties (such as structural, functional, and spatial information, amino acid conservation, physicochemical variation, residue mobility, and thermodynamic stability) has been performed at Invitae for this missense variant, however the output from this modeling did not meet the statistical confidence thresholds required to predict the impact of this variant on GARS protein function. This variant has not been reported in the literature in individuals affected with GARS-related conditions. This variant is not present in population databases (gnomAD no frequency).